The following is an entry in ClinVar:

NM_182972.3(IRF2BP2):c.410_411insGGG (p.Arg137_Pro138insGly)

Genes: IRF2BP2 (interferon regulatory factor 2 binding protein 2; minus strand), LOC129932812 (ATAC-STARR-seq lymphoblastoid silent region 1977; plus strand). Cytogenetic location: 1q42.3.
Variant type: Insertion.
Coding change: c.410_411insGGG on transcript NM_182972.3 (MANE Select); coding-DNA positions 410 to 411, GGG inserted.
Protein change: p.Arg137_Pro138insGly.
Molecular consequence: inframe insertion.
Genome position: GRCh38 VCF-style: chr1-234609084-G-GCCC. GRCh37 (hg19) VCF-style: chr1-234744830-G-GCCC.
Other names: c.410_411insGGG, p.Arg137_Pro138insGly (NM_001077397.1).
Identifiers: ClinVar variation 2702278 (VCV002702278.3), dbSNP rs2528522091, ClinGen allele CA2697554980.
Genomic context (GRCh38, chr1:234,609,084, plus strand): 5'-CAGGATGCCGTTCACGGGCGGCGGCTGCGGCGTCGGCGGCTGGGCCAGGCTCGCTGCCGG[G>GCCC]CGGCTGCTGCCGAAGTCAGAGCCGAGGCGCGGGGGCCTCTCGGCCGCGGCCGCCAACGGG-3'

ClinVar aggregate classification (germline): Uncertain significance (1 of 4 stars; one submission).

Submission:

Labcorp Genetics (formerly Invitae), Labcorp
Classification: Uncertain significance. Last evaluated: 2023-12-11. Review status: criteria provided, single submitter. Criteria: Invitae Variant Classification Sherloc (09022015). Collection method: clinical testing. Allele origin: germline.
Comment: This variant, c.410_411insGGG, results in the insertion of 1 amino acid(s) of the IRF2BP2 protein (p.Arg137_Pro138insGly), but otherwise preserves the integrity of the reading frame. This variant is not present in population databases (gnomAD no frequency). This variant has not been reported in the literature in individuals affected with IRF2BP2-related conditions. In summary, the available evidence is currently insufficient to determine the role of this variant in disease. Therefore, it has been classified as a Variant of Uncertain Significance.